The following is an entry in ClinVar:

ClinVar aggregate classification (germline): Uncertain significance. Review status: criteria provided, multiple submitters, no conflicts (2 of 4 stars). 4 submissions from 4 submitters: Uncertain significance (4). Last evaluated 2023-09-08.

Conditions:
Landau-Kleffner syndrome (FESD). Also called: EPILEPSY, FOCAL, WITH SPEECH DISORDER AND WITH OR WITHOUT MENTAL RETARDATION; APHASIA, ACQUIRED, WITH EPILEPSY. Identifiers: Orphanet 1945, Orphanet 725, Orphanet 98818, MedGen C0282512, MONDO:0009509, OMIM 245570.

Allele frequency attached by ClinVar (database versions not stated): gnomAD 0.00001.
gnomAD v4.1: 11 of 1,613,976 alleles (0.00068%); highest among the groups gnomAD compares: African/African-American, 0.0013%; no homozygotes.

Submissions (4):

Women's Health and Genetics/Laboratory Corporation of America, LabCorp
Classification: Uncertain significance. Last evaluated: 2023-09-08. Review status: criteria provided, single submitter. Criteria: LabCorp Variant Classification Summary - May 2015. Collection method: clinical testing. Allele origin: germline.
Comment: Variant summary: GRIN2A c.3722G>A (p.Arg1241Gln) results in a conservative amino acid change located in the Glutamate [NMDA] receptor, epsilon subunit, C-terminal domain (IPR018884) of the encoded protein sequence. Four of five in-silico tools predict a benign effect of the variant on protein function. The variant was absent in 251348 control chromosomes (gnomAD). The available data on variant occurrences in the general population are insufficient to allow any conclusion about variant significance. To our knowledge, no occurrence of c.3722G>A in individuals affected with Epilepsy, Focal, With Speech Disorder And With Or Without Mental Retardation and no experimental evidence demonstrating its impact on protein function have been reported. Two ClinVar submitters have assessed the variant since 2014, and both classified the variant as uncertain significance. Based on the evidence outlined above, the variant was classified as uncertain significance.

Labcorp Genetics (formerly Invitae), Labcorp
Classification: Uncertain significance for Landau-Kleffner syndrome. Last evaluated: 2023-09-04. Review status: criteria provided, single submitter. Criteria: Invitae Variant Classification Sherloc (09022015). Collection method: clinical testing. Allele origin: germline.
Comment: This sequence change replaces arginine, which is basic and polar, with glutamine, which is neutral and polar, at codon 1241 of the GRIN2A protein (p.Arg1241Gln). In summary, the available evidence is currently insufficient to determine the role of this variant in disease. Therefore, it has been classified as a Variant of Uncertain Significance. Advanced modeling of protein sequence and biophysical properties (such as structural, functional, and spatial information, amino acid conservation, physicochemical variation, residue mobility, and thermodynamic stability) performed at Invitae indicates that this missense variant is not expected to disrupt GRIN2A protein function. ClinVar contains an entry for this variant (Variation ID: 283515). This variant has not been reported in the literature in individuals affected with GRIN2A-related conditions. This variant is not present in population databases (gnomAD no frequency).

Revvity Omics, Revvity
Classification: Uncertain significance for Landau-Kleffner syndrome. Last evaluated: 2023-04-03. Review status: criteria provided, single submitter. Criteria: ACMG Guidelines, 2015. Collection method: clinical testing. Allele origin: germline.

Eurofins Ntd Llc (ga)
Classification: Uncertain significance. Last evaluated: 2015-09-28. Review status: criteria provided, single submitter. Criteria: EGL Classification Definitions 2015. Collection method: clinical testing. Allele origin: germline. Observed: 1 variant allele, 1 heterozygote.

NM_001134407.3(GRIN2A):c.3722G>A (p.Arg1241Gln)

Gene: GRIN2A (glutamate ionotropic receptor NMDA type subunit 2A; minus strand). Cytogenetic location: 16p13.2.
Variant type: single nucleotide variant.
Coding change: c.3722G>A on transcript NM_001134407.3 (MANE Select); coding-DNA position 3722, G replaced by A.
Protein change: p.Arg1241Gln; replaces arginine 1241 with glutamine.
Molecular consequence: missense variant.
Genome position (GRCh38, 1-based): chr16:9,763,822, C>T on the plus strand (G>A on the coding strand, the complement: GRIN2A is on the minus strand). VCF-style: chr16-9763822-C-T. GRCh37 (hg19) VCF-style: chr16-9857679-C-T.
Other names: c.3722G>A (NM_000833.4, NM_000833.3); c.3722G>A, p.Arg1241Gln (NM_000833.5, NM_001134408.2); short protein forms R1241Q.
Identifiers: ClinVar variation 283515 (VCV000283515.12), dbSNP rs886042648, ClinGen allele CA10604519.